The following is an entry in ClinVar:

ClinVar aggregate classification (germline): Likely benign. Review status: criteria provided, multiple submitters, no conflicts (2 of 4 stars). 2 submissions from 2 submitters: Likely benign (2). Last evaluated 2025-09-14.

Conditions:
Charcot-Marie-Tooth disease axonal type 2U. Also called: CHARCOT-MARIE-TOOTH NEUROPATHY, TYPE 2U; CHARCOT-MARIE-TOOTH DISEASE, AXONAL, AUTOSOMAL DOMINANT, TYPE 2U. Identifiers: Orphanet 397735, MedGen C4084821, MONDO:0014566, OMIM 616280.
Severe early-onset pulmonary alveolar proteinosis due to MARS deficiency. Also called: Interstitial lung and liver disease; PULMONARY ALVEOLAR PROTEINOSIS, REUNION ISLAND. Identifiers: Orphanet 440427, MedGen C4225400, MONDO:0014206, OMIM 615486.
MARS1-related disorder. Also called: MARS1-related condition.

gnomAD v4.1: 38 of 1,614,032 alleles (0.0024%); highest among the groups gnomAD compares: African/African-American, 0.032%; no homozygotes.

Submissions (2):

Labcorp Genetics (formerly Invitae), Labcorp
Classification: Likely benign for Charcot-Marie-Tooth disease axonal type 2U; Severe early-onset pulmonary alveolar proteinosis due to MARS deficiency. Last evaluated: 2025-09-14. Review status: criteria provided, single submitter. Criteria: Invitae Variant Classification Sherloc (09022015). Collection method: clinical testing. Allele origin: germline.

PreventionGenetics, part of Exact Sciences
Classification: Likely benign for MARS1-related condition. Last evaluated: 2025-08-06. Review status: criteria provided, single submitter. Criteria: ACMG Guidelines, 2015. Collection method: clinical testing. Allele origin: germline.
Comment: This variant is classified as likely benign based on ACMG/AMP sequence variant interpretation guidelines (Richards et al. 2015 PMID: 25741868, with internal and published modifications).

NM_004990.4(MARS1):c.873C>G (p.Ala291=)

Gene: MARS1 (methionyl-tRNA synthetase 1; plus strand). Cytogenetic location: 12q13.3.
Variant type: single nucleotide variant.
Coding change: c.873C>G on transcript NM_004990.4 (MANE Select); coding-DNA position 873, C replaced by G.
Protein change: p.Ala291=; no amino-acid change (alanine 291 retained).
Molecular consequence: synonymous variant.
Genome position (GRCh38, 1-based): chr12:57,498,259, C>G. VCF-style: chr12-57498259-C-G. GRCh37 (hg19) VCF-style: chr12-57892042-C-G.
Other names: c.873C>G (NM_004990.3).
Identifiers: ClinVar variation 1681705 (VCV001681705.9), dbSNP rs79531790, ClinGen allele CA6650320.